The following is an entry in ClinVar:

ClinVar aggregate classification (germline): Uncertain significance (1 of 4 stars; one submission).

Conditions:
Birt-Hogg-Dube syndrome. Also called: Birt Hogg Dubé syndrome. Identifiers: Orphanet 122, MedGen C0346010, MONDO:0800444.

gnomAD v4.1: 5 of 1,613,964 alleles (0.00031%); highest among the groups gnomAD compares: Non-Finnish European, 0.00042%; no homozygotes.

Submission:

Labcorp Genetics (formerly Invitae), Labcorp
Classification: Uncertain significance for Birt-Hogg-Dube syndrome. Last evaluated: 2020-10-27. Review status: criteria provided, single submitter. Criteria: Invitae Variant Classification Sherloc (09022015). Collection method: clinical testing. Allele origin: germline.
Comment: In summary, the available evidence is currently insufficient to determine the role of this variant in disease. Therefore, it has been classified as a Variant of Uncertain Significance. Algorithms developed to predict the effect of missense changes on protein structure and function output the following: SIFT: "Tolerated"; PolyPhen-2: "Benign"; Align-GVGD: "Class C0". The proline amino acid residue is found in multiple mammalian species, suggesting that this missense change does not adversely affect protein function. These predictions have not been confirmed by published functional studies and their clinical significance is uncertain. This variant has not been reported in the literature in individuals with FLCN-related conditions. This variant is not present in population databases (ExAC no frequency). This sequence change replaces alanine with proline at codon 445 of the FLCN protein (p.Ala445Pro). The alanine residue is weakly conserved and there is a small physicochemical difference between alanine and proline.

NM_144997.7(FLCN):c.1333G>C (p.Ala445Pro)

Gene: FLCN (folliculin; minus strand). Cytogenetic location: 17p11.2.
Variant type: single nucleotide variant.
Coding change: c.1333G>C on transcript NM_144997.7 (MANE Select); coding-DNA position 1333, G replaced by C.
Protein change: p.Ala445Pro; replaces alanine 445 with proline.
Molecular consequence: missense variant.
Genome position (GRCh38, 1-based): chr17:17,215,284, C>G on the plus strand (G>C on the coding strand, the complement: FLCN is on the minus strand). VCF-style: chr17-17215284-C-G. GRCh37 (hg19) VCF-style: chr17-17118598-C-G.
Other names: c.1387G>C, p.Ala463Pro (NM_001353229.2); c.1333G>C, p.Ala445Pro (NM_001353230.2, NM_001353231.2); short protein forms A445P, A463P.
Identifiers: ClinVar variation 1045881 (VCV001045881.5), dbSNP rs41419545, ClinGen allele CA398531442.
Genomic context (GRCh38, chr17:17,215,284, plus strand): 5'-ACTCGTACTTGCTGAGAGACTGGTCATCCTCACACCCCACAGGGTGGAGGGTGGAACGTG[C>G]GGCTGCGTGGACCTCCACGATGACAGCAAACTCTGTAACAACACAAGGCCCGTGGCTCCT-3'
Protein context (NP_659434.2, residues 435-455): FAVIVEVHAA[Ala445Pro]RSTLHPVGCE